The following is an entry in ClinVar:

ClinVar aggregate classification (germline): Benign/Likely benign. Review status: criteria provided, multiple submitters, no conflicts (2 of 4 stars). 3 submissions from 3 submitters: Benign (1); Likely benign (2). Last evaluated 2019-05-28.

Conditions:
Autoimmune lymphoproliferative syndrome type 2B. Also called: AUTOIMMUNE LYMPHOPROLIFERATIVE SYNDROME, TYPE IIB. Identifiers: Orphanet 275517, MedGen C1846545, MONDO:0011804, OMIM 607271.

Allele frequency attached by ClinVar (database versions not stated): gnomAD exomes 0.00113; gnomAD 0.00929 and 0.00993; TOPMed 0.01074; 1000 Genomes Project 0.01178; 1000 Genomes Project 30x 0.01296.

Submissions (3):

GeneDx
Classification: Likely benign. Last evaluated: 2019-05-28. Review status: criteria provided, single submitter. Criteria: GeneDx Variant Classification Process June 2021. Collection method: clinical testing. Allele origin: germline. Affected: yes.

Illumina Laboratory Services, Illumina
Classification: Benign for Autoimmune lymphoproliferative syndrome type 2B. Last evaluated: 2018-01-13. Review status: criteria provided, single submitter. Criteria: ICSL Variant Classification Criteria 13 December 2019. Collection method: clinical testing. Allele origin: germline.
Comment: This variant was observed in the ICSL laboratory as part of a predisposition screen in an ostensibly healthy population. It had not been previously curated by ICSL or reported in the Human Gene Mutation Database (HGMD: prior to June 1st, 2018), and was therefore a candidate for classification through an automated scoring system. Utilizing variant allele frequency, disease prevalence and penetrance estimates, and inheritance mode, an automated score was calculated to assess if this variant is too frequent to cause the disease. Based on the score and internal cut-off values, a variant classified as benign is not then subjected to further curation. The score for this variant resulted in a classification of benign for this disease.

Breakthrough Genomics
Classification: Likely benign. Review status: criteria provided, single submitter. Criteria: ACMG Guidelines, 2015. Collection method: not provided. Allele origin: germline. Inheritance: Autosomal recessive inheritance. Affected: yes.

NM_001372051.1(CASP8):c.*60C>T

Gene: CASP8 (caspase 8; plus strand). Cytogenetic location: 2q33.1.
Variant type: single nucleotide variant.
Coding change: c.*60C>T on transcript NM_001372051.1 (MANE Select); 60 bases downstream of the stop codon, C replaced by T.
Molecular consequence: 3 prime UTR variant. On other transcripts: non-coding transcript variant (22).
Genome position (GRCh38, 1-based): chr2:201,286,654, C>T. VCF-style: chr2-201286654-C-T. GRCh37 (hg19) VCF-style: chr2-202151377-C-T.
Other names: c.*60C>T (NM_001080124.2, NM_001080125.2, NM_001228.5 and 35 more transcripts).
Identifiers: ClinVar variation 333509 (VCV000333509.9), dbSNP rs13425113, ClinGen allele CA10612397.